The following is an entry in ClinVar:

NM_016169.4(SUFU):c.509G>C (p.Ser170Thr)

Gene: SUFU (SUFU negative regulator of hedgehog signaling; plus strand). Cytogenetic location: 10q24.32.
Variant type: single nucleotide variant.
Coding change: c.509G>C on transcript NM_016169.4 (MANE Select); coding-DNA position 509, G replaced by C.
Protein change: p.Ser170Thr; replaces serine 170 with threonine.
Molecular consequence: missense variant.
Genome position (GRCh38, 1-based): chr10:102,592,636, G>C. VCF-style: chr10-102592636-G-C. GRCh37 (hg19) VCF-style: chr10-104352393-G-C.
Other names: c.509G>C, p.Ser170Thr (NM_001178133.2); short protein forms S170T.
Identifiers: ClinVar variation 1745324 (VCV001745324.7), dbSNP rs1357846729, ClinGen allele CA377908292.
Genomic context (GRCh38, chr10:102,592,636, plus strand): 5'-CCACAGAGAACACCTTCTGCAGTGGGGACCATGTGTCCTGGCACAGCCCTTTGGATAACA[G>C]TGAGTCAAGAATTCAGCACATGCTGCTGACAGAGGACCCACAGATGCAGCCCGTGCAGAC-3'
Protein context (NP_057253.2, residues 160-180): HVSWHSPLDN[Ser170Thr]ESRIQHMLLT

ClinVar aggregate classification (germline): Uncertain significance. Review status: criteria provided, multiple submitters, no conflicts (2 of 4 stars). 2 submissions from 2 submitters: Uncertain significance (2). Last evaluated 2024-03-12.

Conditions:
Gorlin syndrome. Also called: Nevoid Basal Cell Carcinoma Syndrome; Basal cell nevus syndrome. Identifiers: Orphanet 377, MedGen C0004779, MONDO:0007187.
Medulloblastoma (MDB). Also called: MEDULLOBLASTOMA PREDISPOSITION SYNDROME; Medulloblastoma, somatic. Identifiers: Orphanet 616, MedGen C0025149, MeSH D008527, MONDO:0007959, OMIM 155255, HP:0002885.
Hereditary cancer-predisposing syndrome. Also called: Neoplastic Syndromes, Hereditary; Tumor predisposition; Hereditary Cancer Syndrome; Hereditary neoplastic syndrome. Identifiers: Orphanet 140162, MedGen C0027672, MeSH D009386, MONDO:0015356.

gnomAD v4.1: 1 of 1,614,184 alleles (0.000062%); highest among the groups gnomAD compares: Admixed American, 0.0017%; no homozygotes.

Submissions (2):

Ambry Genetics
Classification: Uncertain significance for Hereditary cancer-predisposing syndrome. Last evaluated: 2024-03-12. Review status: criteria provided, single submitter. Criteria: Ambry Variant Classification Scheme 2023. Collection method: clinical testing. Allele origin: germline.
Comment: The p.S170T variant (also known as c.509G>C), located in coding exon 4 of the SUFU gene, results from a G to C substitution at nucleotide position 509. The serine at codon 170 is replaced by threonine, an amino acid with similar properties. This amino acid position is highly conserved in available vertebrate species. In addition, the in silico prediction for this alteration is inconclusive. Since supporting evidence is limited at this time, the clinical significance of this alteration remains unclear.

Labcorp Genetics (formerly Invitae), Labcorp
Classification: Uncertain significance for Gorlin syndrome; Medulloblastoma. Last evaluated: 2022-08-21. Review status: criteria provided, single submitter. Criteria: Invitae Variant Classification Sherloc (09022015). Collection method: clinical testing. Allele origin: germline.
Comment: This sequence change replaces serine, which is neutral and polar, with threonine, which is neutral and polar, at codon 170 of the SUFU protein (p.Ser170Thr). In summary, the available evidence is currently insufficient to determine the role of this variant in disease. Therefore, it has been classified as a Variant of Uncertain Significance. Algorithms developed to predict the effect of missense changes on protein structure and function (SIFT, PolyPhen-2, Align-GVGD) all suggest that this variant is likely to be disruptive. This variant has not been reported in the literature in individuals affected with SUFU-related conditions. This variant is present in population databases (no rsID available, gnomAD 0.003%).